The following is an entry in ClinVar:

NM_005219.5(DIAPH1):c.1157A>G (p.Glu386Gly)

Gene: DIAPH1 (diaphanous related formin 1; minus strand). Cytogenetic location: 5q31.3.
Variant type: single nucleotide variant.
Coding change: c.1157A>G on transcript NM_005219.5 (MANE Select); coding-DNA position 1157, A replaced by G.
Protein change: p.Glu386Gly; replaces glutamic acid 386 with glycine.
Molecular consequence: missense variant.
Genome position (GRCh38, 1-based): chr5:141,578,231, T>C on the plus strand (A>G on the coding strand, the complement: DIAPH1 is on the minus strand). VCF-style: chr5-141578231-T-C. GRCh37 (hg19) VCF-style: chr5-140957798-T-C.
Other names: c.1130A>G, p.Glu377Gly (NM_001079812.3); c.1157A>G, p.Glu386Gly (NM_001314007.2); short protein forms E386G, E377G.
Identifiers: ClinVar variation 1474072 (VCV001474072.6), dbSNP rs1236323559, ClinGen allele CA361530936.
Genomic context (GRCh38, chr5:141,578,231, plus strand): 5'-AACTAAATACAATGAATGTCTCATCTGCCTTGAACCTAGTCAGCAAAAGGATATTCCATC[T>C]CCATGCGAATGTCATCCAGCCGTCCCTTCAGGTCATAGGAATCCTCTTCCCCTTGTTCAT-3'
Protein context (NP_005210.3, residues 376-396): LKGRLDDIRM[Glu386Gly]MDDFNEVFQI

ClinVar aggregate classification (germline): Uncertain significance (1 of 4 stars; one submission).

Conditions:
Progressive microcephaly-seizures-cortical blindness-developmental delay syndrome. Also called: Seizures, cortical blindness, and microcephaly syndrome. Identifiers: Orphanet 477814, MedGen C5567650, MONDO:0014714, OMIM 616632.
Autosomal dominant nonsyndromic hearing loss 1. Also called: KONIGSMARK SYNDROME; DEAFNESS, AUTOSOMAL DOMINANT 1, WITH OR WITHOUT THROMBOCYTOPENIA. Identifiers: Orphanet 90635, MedGen C1852282, MONDO:0007424, OMIM 124900.

Allele frequency attached by ClinVar (database versions not stated): gnomAD exomes below 0.00001; TOPMed below 0.00001; gnomAD 0.00001.
gnomAD v4.1: 6 of 1,611,924 alleles (0.00037%); highest among the groups gnomAD compares: Non-Finnish European, 0.00051%; no homozygotes.

Submission:

Labcorp Genetics (formerly Invitae), Labcorp
Classification: Uncertain significance for Progressive microcephaly-seizures-cortical blindness-developmental delay syndrome; Autosomal dominant nonsyndromic hearing loss 1. Last evaluated: 2022-03-02. Review status: criteria provided, single submitter. Criteria: Invitae Variant Classification Sherloc (09022015). Collection method: clinical testing. Allele origin: germline.
Comment: This sequence change replaces glutamic acid, which is acidic and polar, with glycine, which is neutral and non-polar, at codon 386 of the DIAPH1 protein (p.Glu386Gly). This variant is present in population databases (no rsID available, gnomAD 0.0009%). This variant has not been reported in the literature in individuals affected with DIAPH1-related conditions. Algorithms developed to predict the effect of missense changes on protein structure and function are either unavailable or do not agree on the potential impact of this missense change (SIFT: "Tolerated"; PolyPhen-2: "Not Available"; Align-GVGD: "Class C0"). In summary, the available evidence is currently insufficient to determine the role of this variant in disease. Therefore, it has been classified as a Variant of Uncertain Significance.